The following is an entry in ClinVar:

ClinVar aggregate classification (germline): Conflicting classifications of pathogenicity. Review status: criteria provided, conflicting classifications (1 of 4 stars). 3 submissions from 3 submitters: Uncertain significance (2); Likely benign (1). Last evaluated 2024-11-07.

Conditions:
Neurodegeneration, infantile-onset, biotin-responsive. Also called: SODIUM-DEPENDENT MULTIVITAMIN TRANSPORTER DEFICIENCY; SMVT DEFICIENCY. Identifiers: Orphanet 521268, MedGen C5436520, MONDO:0033546, OMIM 618973.
Inborn genetic diseases. Identifiers: MedGen C0950123, MeSH D030342.

Allele frequency attached by ClinVar (database versions not stated): ExAC 0.00025; ESP Exome Variant Server 0.00085; gnomAD 0.00065; TOPMed 0.00065; 1000 Genomes Project 30x 0.00094; 1000 Genomes Project 0.00100.
gnomAD v4.1: 211 of 1,613,166 alleles (0.013%); highest among the groups gnomAD compares: African/African-American, 0.25%; no homozygotes.

Submissions (3):

Ambry Genetics
Classification: Likely benign for Inborn genetic diseases. Last evaluated: 2024-11-07. Review status: criteria provided, single submitter. Criteria: Ambry Variant Classification Scheme 2023. Collection method: clinical testing. Allele origin: germline.

Illumina Laboratory Services, Illumina
Classification: Uncertain significance for Neurodegeneration, infantile-onset, biotin-responsive. Last evaluated: 2023-08-02. Review status: criteria provided, single submitter. Criteria: ICSLVariantClassificationCriteria RUGD 01 April 2020. Collection method: clinical testing. Allele origin: unknown.
Comment: The SLC5A6 c.1282A>G p.(Ile428Val) missense variant has not, to our knowledge, been reported in the peer-reviewed literature. The highest frequency of this allele in the Genome Aggregation Database is 0.002926 in the African/African American population (version 2.1.1). This variant lies within the functionally significant sodium:solute symporter family domain. Computational evidence suggests this variant may not impact the gene or gene product. Based on the available evidence, the c.1282A>G p.(Ile428Val) variant is classified as a variant of uncertain significance for SLC5A6-related multivitamin-dependent neurometabolic disorder.

GeneDx
Classification: Uncertain significance. Last evaluated: 2022-03-10. Review status: criteria provided, single submitter. Criteria: GeneDx Variant Classification Process June 2021. Collection method: clinical testing. Allele origin: germline. Affected: yes.
Comment: In silico analysis supports that this missense variant does not alter protein structure/function; Has not been previously published as pathogenic or benign to our knowledge

NM_021095.4(SLC5A6):c.1282A>G (p.Ile428Val)

Gene: SLC5A6 (solute carrier family 5 member 6; minus strand). Cytogenetic location: 2p23.3.
Variant type: single nucleotide variant.
Coding change: c.1282A>G on transcript NM_021095.4 (MANE Select); coding-DNA position 1282, A replaced by G.
Protein change: p.Ile428Val; replaces isoleucine 428 with valine.
Molecular consequence: missense variant. On other transcripts: non-coding transcript variant (1).
Genome position (GRCh38, 1-based): chr2:27,202,068, T>C on the plus strand (A>G on the coding strand, the complement: SLC5A6 is on the minus strand). VCF-style: chr2-27202068-T-C. GRCh37 (hg19) VCF-style: chr2-27424936-T-C.
Other names: short protein forms I428V.
Identifiers: ClinVar variation 1704719 (VCV001704719.4), dbSNP rs143540129, ClinGen allele CA1571513.